The following is an entry in ClinVar:

NM_001042492.3(NF1):c.908T>C (p.Leu303Pro)

Gene: NF1 (neurofibromin 1; plus strand). Cytogenetic location: 17q11.2.
Variant type: single nucleotide variant.
Coding change: c.908T>C on transcript NM_001042492.3 (MANE Select); coding-DNA position 908, T replaced by C.
Protein change: p.Leu303Pro; replaces leucine 303 with proline.
Molecular consequence: missense variant.
Genome position (GRCh38, 1-based): chr17:31,200,441, T>C. VCF-style: chr17-31200441-T-C. GRCh37 (hg19) VCF-style: chr17-29527459-T-C.
Other names: c.908T>C, p.Leu303Pro (NM_000267.4, NM_001128147.3); short protein forms L303P.
Identifiers: ClinVar variation 1711988 (VCV001711988.9), dbSNP rs2143872212, ClinGen allele CA398995564.

ClinVar aggregate classification (germline): Conflicting classifications of pathogenicity. Review status: criteria provided, conflicting classifications (1 of 4 stars). 5 submissions from 5 submitters: Pathogenic (2); Likely pathogenic (1); Uncertain significance (2). Last evaluated 2025-12-23.

Conditions:
Neurofibromatosis, type 1 (NF1). Also called: VON RECKLINGHAUSEN DISEASE; NEUROFIBROMATOSIS, TYPE I, SOMATIC; Neurofibromatosis, type I; Peripheral type neurofibromatosis. Identifiers: Orphanet 636, MedGen C0027831, MONDO:0018975, OMIM 162200. Disease mechanism: loss of function.
NF1-related disorder. Also called: NF1-related condition. Identifiers: MedGen CN379171.
Cardiovascular phenotype. Identifiers: MedGen CN230736.
Hereditary cancer-predisposing syndrome. Also called: Neoplastic Syndromes, Hereditary; Hereditary neoplastic syndrome; Hereditary Cancer Syndrome; Tumor predisposition. Identifiers: Orphanet 140162, MedGen C0027672, MeSH D009386, MONDO:0015356.

Submissions (5):

PreventionGenetics, part of Exact Sciences
Classification: Likely pathogenic for NF1-related condition. Last evaluated: 2025-12-23. Review status: criteria provided, single submitter. Criteria: ACMG Guidelines, 2015. Collection method: clinical testing. Allele origin: germline.
Comment: The NF1 c.908T>C variant is predicted to result in the amino acid substitution p.Leu303Pro. This variant has been reported in at least two individuals with neurofibromatosis type 1 (Ho et al. 2022. PubMed ID: 35240321; Paterra et al. 2023. PubMed ID: 36612057). This variant has not been reported in a large population database (gnomAD), indicating this variant is rare. An alternate missense change at the same amino acid position (c.908T>G; p.Leu303Arg) has been reported in two individuals with NF1-related disorders (Cassiman et al. 2016. PubMed ID: 27716896; Bausch et al. 2006. PubMed ID: 16787982). This variant is interpreted as likely pathogenic.

Ambry Genetics
Classification: Pathogenic for Cardiovascular phenotype; Hereditary cancer-predisposing syndrome. Last evaluated: 2025-10-10. Review status: criteria provided, single submitter. Criteria: Ambry Variant Classification Scheme 2023. Collection method: clinical testing. Allele origin: germline.
Comment: The p.L303P pathogenic mutation (also known as c.908T>C), located in coding exon 9 of the NF1 gene, results from a T to C substitution at nucleotide position 908. The leucine at codon 303 is replaced by proline, an amino acid with similar properties. This variant was reported in individual(s) with features consistent with neurofibromatosis type 1 (Ho SK et al. Eur J Med Genet, 2022 Apr;65:104474; Paterra R et al. Cancers (Basel), 2022 Dec;15:; Ambry internal data). Other variant(s) at the same codon, p.L303R (c.908T>G), have been identified in individual(s) with features consistent with neurofibromatosis type 1 (Bausch B et al. J Clin Endocrinol Metab, 2006 Sep;91:3478-81; Cassiman C et al. Clin Genet, 2017 Apr;91:529-535). This amino acid position is highly conserved in available vertebrate species. In addition, this alteration is predicted to be deleterious by in silico analysis. This variant is considered to be rare based on population cohorts in the Genome Aggregation Database (gnomAD). Based on the supporting evidence, this variant is interpreted as a disease-causing mutation.

GeneDx
Classification: Uncertain significance. Last evaluated: 2025-04-28. Review status: criteria provided, single submitter. Criteria: GeneDx Variant Classification Process June 2021. Collection method: clinical testing. Allele origin: germline. Affected: yes.
Comment: Not observed at significant frequency in large population cohorts (gnomAD); In silico analysis supports that this missense variant has a deleterious effect on protein structure/function; This variant is associated with the following publications: (PMID: 35240321, 36612057)

Quest Diagnostics Nichols Institute San Juan Capistrano
Classification: Uncertain significance. Last evaluated: 2025-02-26. Review status: criteria provided, single submitter. Criteria: Quest Diagnostics criteria. Collection method: clinical testing. Allele origin: unknown.

Labcorp Genetics (formerly Invitae), Labcorp
Classification: Pathogenic for Neurofibromatosis, type 1. Last evaluated: 2025-02-03. Review status: criteria provided, single submitter. Criteria: Invitae Variant Classification Sherloc (09022015). Collection method: clinical testing. Allele origin: germline.
Comment: This sequence change replaces leucine, which is neutral and non-polar, with proline, which is neutral and non-polar, at codon 303 of the NF1 protein (p.Leu303Pro). This variant is not present in population databases (gnomAD no frequency). This missense change has been observed in individual(s) with Neurofibromatosis, type 1 (PMID: 35240321). ClinVar contains an entry for this variant (Variation ID: 1711988). Invitae Evidence Modeling of protein sequence and biophysical properties (such as structural, functional, and spatial information, amino acid conservation, physicochemical variation, residue mobility, and thermodynamic stability) indicates that this missense variant is expected to disrupt NF1 protein function with a positive predictive value of 95%. This variant disrupts the p.Leu303 amino acid residue in NF1. Other variant(s) that disrupt this residue have been determined to be pathogenic (PMID: 16787982, 27716896). This suggests that this residue is clinically significant, and that variants that disrupt this residue are likely to be disease-causing. For these reasons, this variant has been classified as Pathogenic.

Literature cited by the submitters: PubMed 16787982 (cited by Ambry Genetics and Labcorp Genetics (formerly Invitae), Labcorp); PubMed 27716896 (cited by Ambry Genetics and Labcorp Genetics (formerly Invitae), Labcorp); PubMed 35240321 (cited by Ambry Genetics and Labcorp Genetics (formerly Invitae), Labcorp); PubMed 36612057 (cited by Ambry Genetics).